The following is an entry in ClinVar:

ClinVar aggregate classification (germline): Likely benign. Review status: criteria provided, multiple submitters, no conflicts (2 of 4 stars). 2 submissions from 2 submitters: Likely benign (2). Last evaluated 2023-11-01.

Allele frequency attached by ClinVar (database versions not stated): gnomAD exomes 0.00001 and 0.00002; ExAC 0.00002; gnomAD 0.00003 and 0.00004; TOPMed below 0.00001.
gnomAD v4.1: 31 of 1,612,892 alleles (0.0019%); highest among the groups gnomAD compares: Admixed American, 0.005%; no homozygotes.

Submissions (2):

CeGaT Center for Human Genetics Tuebingen
Classification: Likely benign. Last evaluated: 2023-11-01. Review status: criteria provided, single submitter. Criteria: CeGaT Center For Human Genetics Tuebingen Variant Classification Criteria Version 2. Collection method: clinical testing. Allele origin: germline. Affected: yes. Observed: 1 variant allele.
Comment: TTN: BP4, BP7

Laboratory for Molecular Medicine, Mass General Brigham Personalized Medicine
Classification: Likely benign. Last evaluated: 2012-06-28. Review status: criteria provided, single submitter. Criteria: LMM Criteria. Collection method: clinical testing. Allele origin: germline. Observed: 1 variant allele.
Comment: Gly4777Gly in exon 45A of TTN: This variant is not expected to have clinical sig nificance because it does not alter an amino acid residue and is not located wit hin the splice consensus sequence. Gly4777Gly in exon 45A of TTN (allele frequ ency = n/a)

NM_133379.5(TTN):c.14331G>C (p.Gly4777=)

Genes: TTN (titin; minus strand), LOC126806432 (CDK7 strongly-dependent group 2 enhancer GRCh37_chr2:179611985-179613184; plus strand). Cytogenetic location: 2q31.2.
Variant type: single nucleotide variant.
Coding change: c.14331G>C on transcript NM_133379.5; coding-DNA position 14331, G replaced by C.
Protein change: p.Gly4777=; no amino-acid change (glycine 4777 retained).
Molecular consequence: synonymous variant. On other transcripts: intron variant (6).
Genome position (GRCh38, 1-based): chr2:178,748,069, C>G on the plus strand (G>C on the coding strand, the complement: TTN is on the minus strand). VCF-style: chr2-178748069-C-G. GRCh37 (hg19) VCF-style: chr2-179612796-C-G.
Other names: c.10222+5055G>C (NM_003319.4); c.10798+5055G>C (NM_133437.4); c.10597+5055G>C (NM_133432.3); c.10360+5055G>C (NM_133378.4, NM_001256850.1); c.11311+5055G>C (NM_001267550.2).
Identifiers: ClinVar variation 47772 (VCV000047772.28), dbSNP rs397517813, ClinGen allele CA141865.